The following is an entry in ClinVar:

NM_002519.3(NPAT):c.2630C>T (p.Ala877Val)

Gene: NPAT (nuclear protein, coactivator of histone transcription; minus strand). Cytogenetic location: 11q22.3.
Variant type: single nucleotide variant.
Coding change: c.2630C>T on transcript NM_002519.3 (MANE Select); coding-DNA position 2630, C replaced by T.
Protein change: p.Ala877Val; replaces alanine 877 with valine.
Molecular consequence: missense variant.
Genome position (GRCh38, 1-based): chr11:108,172,354, G>A on the plus strand (C>T on the coding strand, the complement: NPAT is on the minus strand). VCF-style: chr11-108172354-G-A. GRCh37 (hg19) VCF-style: chr11-108043081-G-A.
Other names: c.2630C>T, p.Ala877Val (NM_001321307.1); short protein forms A877V.
Identifiers: ClinVar variation 1794050 (VCV001794050.2), dbSNP rs1337627277, ClinGen allele CA382512563.

ClinVar aggregate classification (germline): Uncertain significance (1 of 4 stars; one submission).

Allele frequency attached by ClinVar (database versions not stated): gnomAD exomes below 0.00001.
gnomAD v4.1: 5 of 1,614,194 alleles (0.00031%); highest among the groups gnomAD compares: African/African-American, 0.0013%; no homozygotes.

Submission:

Ambry Genetics
Classification: Uncertain significance. Last evaluated: 2023-11-10. Review status: criteria provided, single submitter. Criteria: Ambry Variant Classification Scheme 2023. Collection method: clinical testing. Allele origin: germline.
Comment: The p.A877V variant (also known as c.2630C>T), located in coding exon 13 of the NPAT gene, results from a C to T substitution at nucleotide position 2630. The alanine at codon 877 is replaced by valine, an amino acid with similar properties. This amino acid position is conserved. In addition, this alteration is predicted to be tolerated by in silico analysis. Since supporting evidence is limited at this time, the clinical significance of this alteration remains unclear.